The following is an entry in ClinVar:

NM_015570.4(AUTS2):c.3727_3731dup (p.Ile1244fs)

Gene: AUTS2 (activator of transcription and developmental regulator AUTS2; plus strand). Cytogenetic location: 7q11.22.
Variant type: Duplication.
Coding change: c.3727_3731dup on transcript NM_015570.4 (MANE Select); coding-DNA positions 3727 to 3731, 5 bases duplicated (GAGAT; older notation c.3727_3731dupGAGAT).
Protein change: p.Ile1244fs; shifts the reading frame from isoleucine 1244.
Molecular consequence: frameshift variant.
Genome position (GRCh38, 1-based): chr7:70,790,943-70,790,947, GAGAT duplicated. VCF-style (leftmost placement, unchanged base first): chr7-70790942-A-AGAGAT. GRCh37 (hg19) VCF-style: chr7-70255928-A-AGAGAT.
Other names: c.3655_3659dup, p.Ile1220fs (NM_001127231.3); short protein forms I1244fs, I1220fs.
Identifiers: ClinVar variation 5009640 (VCV005009640.1).

ClinVar aggregate classification (germline): Uncertain significance (1 of 4 stars; one submission).

Submission:

GeneDx
Classification: Uncertain significance. Last evaluated: 2026-02-19. Review status: criteria provided, single submitter. Criteria: GeneDx Variant Classification Process June 2021. Collection method: clinical testing. Allele origin: germline.
Comment: Frameshift variant predicted to result in abnormal protein length as the last 16 amino acids are replaced with 2 different amino acids; Not observed at significant frequency in large population cohorts (gnomAD); Has not been previously published as pathogenic or benign to our knowledge